The following is an entry in ClinVar:

ClinVar aggregate classification (germline): Likely benign (1 of 4 stars; one submission).

Allele frequency attached by ClinVar (database versions not stated): gnomAD 0.00007 and 0.00036; TOPMed 0.00009; 1000 Genomes Project 0.00220; 1000 Genomes Project 30x 0.00250.

Submission:

CeGaT Center for Human Genetics Tuebingen
Classification: Likely benign. Last evaluated: 2023-01-01. Review status: criteria provided, single submitter. Criteria: CeGaT Center For Human Genetics Tuebingen Variant Classification Criteria Version 2. Collection method: clinical testing. Allele origin: germline. Affected: yes. Observed: 1 variant allele.
Comment: NIPA1: BS1

NM_144599.5(NIPA1):c.*3127G>A

Gene: NIPA1 (NIPA magnesium transporter 1; plus strand). Cytogenetic location: 15q11.2.
Variant type: single nucleotide variant.
Coding change: c.*3127G>A on transcript NM_144599.5 (MANE Select); 3127 bases downstream of the stop codon, G replaced by A.
Molecular consequence: 3 prime UTR variant.
Genome position (GRCh38, 1-based): chr15:22,827,366, G>A. VCF-style: chr15-22827366-G-A. GRCh37 (hg19) VCF-style: chr15-23045702-C-T.
Other names: c.*3127G>A (NM_001142275.1).
Identifiers: ClinVar variation 315365 (VCV000315365.29), dbSNP rs547238314, ClinGen allele CA10635705.